The following is an entry in ClinVar:

NM_002519.3(NPAT):c.2477A>G (p.Asn826Ser)

Gene: NPAT (nuclear protein, coactivator of histone transcription; minus strand). Cytogenetic location: 11q22.3.
Variant type: single nucleotide variant.
Coding change: c.2477A>G on transcript NM_002519.3 (MANE Select); coding-DNA position 2477, A replaced by G.
Protein change: p.Asn826Ser; replaces asparagine 826 with serine.
Molecular consequence: missense variant.
Genome position (GRCh38, 1-based): chr11:108,172,507, T>C on the plus strand (A>G on the coding strand, the complement: NPAT is on the minus strand). VCF-style: chr11-108172507-T-C. GRCh37 (hg19) VCF-style: chr11-108043234-T-C.
Other names: c.2477A>G, p.Asn826Ser (NM_001321307.1); short protein forms N826S.
Identifiers: ClinVar variation 1791846 (VCV001791846.4), dbSNP rs867795975, ClinGen allele CA228383515.

ClinVar aggregate classification (germline): Conflicting classifications of pathogenicity. Review status: criteria provided, conflicting classifications (1 of 4 stars). 2 submissions from 2 submitters: Uncertain significance (1); Likely benign (1). Last evaluated 2024-06-11.

Allele frequency attached by ClinVar (database versions not stated): TOPMed below 0.00001; gnomAD exomes 0.00001.
gnomAD v4.1: 13 of 1,614,204 alleles (0.00081%); highest among the groups gnomAD compares: Middle Eastern, 0.18%; 1 homozygote.

Submissions (2):

Labcorp Genetics (formerly Invitae), Labcorp
Classification: Uncertain significance. Last evaluated: 2024-06-11. Review status: criteria provided, single submitter. Criteria: Invitae Variant Classification Sherloc (09022015). Collection method: clinical testing. Allele origin: germline.
Comment: This sequence change replaces asparagine, which is neutral and polar, with serine, which is neutral and polar, at codon 826 of the NPAT protein (p.Asn826Ser). This variant is not present in population databases (gnomAD no frequency). This variant has not been reported in the literature in individuals affected with NPAT-related conditions. ClinVar contains an entry for this variant (Variation ID: 1791846). Algorithms developed to predict the effect of missense changes on protein structure and function output the following: SIFT: "Not Available"; PolyPhen-2: "Benign"; Align-GVGD: "Not Available". The serine amino acid residue is found in multiple mammalian species, which suggests that this missense change does not adversely affect protein function. In summary, the available evidence is currently insufficient to determine the role of this variant in disease. Therefore, it has been classified as a Variant of Uncertain Significance.

Ambry Genetics
Classification: Likely benign. Last evaluated: 2021-10-04. Review status: criteria provided, single submitter. Criteria: Ambry Variant Classification Scheme 2023. Collection method: clinical testing. Allele origin: germline.